The following is an entry in ClinVar:

NM_001199753.2(CPT1C):c.1541G>A (p.Arg514Gln)

Gene: CPT1C (carnitine palmitoyltransferase 1C; plus strand). Cytogenetic location: 19q13.33.
Variant type: single nucleotide variant.
Coding change: c.1541G>A on transcript NM_001199753.2 (MANE Select); coding-DNA position 1541, G replaced by A.
Protein change: p.Arg514Gln; replaces arginine 514 with glutamine.
Molecular consequence: missense variant. On other transcripts: non-coding transcript variant (1).
Genome position (GRCh38, 1-based): chr19:49,708,814, G>A. VCF-style: chr19-49708814-G-A. GRCh37 (hg19) VCF-style: chr19-50212071-G-A.
Other names: c.1508G>A, p.Arg503Gln (NM_001136052.3, NM_001378485.1, NM_001378487.1); c.1541G>A, p.Arg514Gln (NM_001199752.3, NM_001378483.1, NM_001378484.1 and 3 more transcripts); c.1607G>A, p.Arg536Gln (NM_001378482.1); short protein forms R514Q, R503Q, R536Q.
Identifiers: ClinVar variation 542767 (VCV000542767.10), dbSNP rs150853576, ClinGen allele CA9582213.
Genomic context (GRCh38, chr19:49,708,814, plus strand): 5'-GCTACTCAACAGACGGCCACTGCAAGGGGCACCCGGACCCCACACTACCCCAGCCCCAGC[G>A]GCTGCAATGGGACCTTCCAGACCAGGTGAGGCTGGGTTTCTGGGCCTCTCCTCCAAGTCC-3'
Protein context (NP_001186682.1, residues 504-524): HPDPTLPQPQ[Arg514Gln]LQWDLPDQIH

ClinVar aggregate classification (germline): Uncertain significance. Review status: criteria provided, multiple submitters, no conflicts (2 of 4 stars). 2 submissions from 2 submitters: Uncertain significance (2). Last evaluated 2025-11-23.

Conditions:
Hereditary spastic paraplegia. Also called: Familial spastic paraparesis. Identifiers: Orphanet 685, MedGen C0037773, MONDO:0019064. Disease mechanism: loss of function.
Hereditary spastic paraplegia 73. Also called: Spastic paraplegia 73, autosomal dominant. Identifiers: Orphanet 444099, MedGen C5568981, MONDO:0014568, OMIM 616282.

Allele frequency attached by ClinVar (database versions not stated): 1000 Genomes Project 30x 0.00016; TOPMed 0.00028; ESP Exome Variant Server 0.00038.
gnomAD v4.1: 976 of 1,613,024 alleles (0.061%); highest among the groups gnomAD compares: Non-Finnish European, 0.08%; 1 homozygote.

Submissions (2):

Labcorp Genetics (formerly Invitae), Labcorp
Classification: Uncertain significance for Hereditary spastic paraplegia 73. Last evaluated: 2025-11-23. Review status: criteria provided, single submitter. Criteria: Invitae Variant Classification Sherloc (09022015). Collection method: clinical testing. Allele origin: germline.
Comment: This sequence change replaces arginine, which is basic and polar, with glutamine, which is neutral and polar, at codon 503 of the CPT1C protein (p.Arg503Gln). This variant is present in population databases (rs150853576, gnomAD 0.05%), and has an allele count higher than expected for a pathogenic variant. This variant has not been reported in the literature in individuals affected with CPT1C-related conditions. ClinVar contains an entry for this variant (Variation ID: 542767). Invitae Evidence Modeling of protein sequence and biophysical properties (such as structural, functional, and spatial information, amino acid conservation, physicochemical variation, residue mobility, and thermodynamic stability) indicates that this missense variant is not expected to disrupt CPT1C protein function with a negative predictive value of 80%. In summary, the available evidence is currently insufficient to determine the role of this variant in disease. Therefore, it has been classified as a Variant of Uncertain Significance.

Department of Pathology and Laboratory Medicine, Sinai Health System
Classification: Uncertain significance for hereditary spastic paraplegia. Last evaluated: 2021-11-05. Review status: criteria provided, single submitter. Criteria: ACMG Guidelines, 2015. Collection method: research. Allele origin: germline.